The following is an entry in ClinVar:

ClinVar aggregate classification (germline): Uncertain significance (1 of 4 stars; one submission).

Conditions:
Tuberous sclerosis syndrome (TSC). Also called: Tuberous Sclerosis Complex; Tuberous sclerosis. Identifiers: Orphanet 805, MedGen C0041341, MONDO:0001734.

gnomAD v4.1: 4 of 1,613,740 alleles (0.00025%); highest among the groups gnomAD compares: South Asian, 0.0033%; no homozygotes.

Submission:

All of Us Research Program, National Institutes of Health
Classification: Uncertain significance for Tuberous sclerosis syndrome. Last evaluated: 2024-07-29. Review status: criteria provided, single submitter. Criteria: ACMG Guidelines, 2015. Collection method: clinical testing. Allele origin: germline. Inheritance: Autosomal dominant inheritance. Observed: 1 variant allele, 1 heterozygote.
Comment: This variant is located in the 5' untranslated region of the TSC2 gene. To our knowledge, functional studies have not been reported for this variant. This variant has not been reported in individuals affected with TSC2-related disorders in the literature. This variant has been identified in 1/250772 chromosomes in the general population by the Genome Aggregation Database (gnomAD). The available evidence is insufficient to determine the role of this variant in disease conclusively. Therefore, this variant is classified as a Variant of Uncertain Significance.

This study involves interpretation of variants in research participants for the purpose of population health screening. Participant phenotype was not available at the time of variant classification. Additional details can be found in publication PMID: 35346344, PMCID: PMC8962531

NM_000548.5(TSC2):c.-13G>T

Gene: TSC2 (TSC complex subunit 2; plus strand). Cytogenetic location: 16p13.3.
Variant type: single nucleotide variant.
Coding change: c.-13G>T on transcript NM_000548.5 (MANE Select); 13 bases upstream of the start codon, G replaced by T.
Molecular consequence: 5 prime UTR variant. On other transcripts: non-coding transcript variant (5), intron variant (6), synonymous variant (1).
Genome position (GRCh38, 1-based): chr16:2,048,603, G>T. VCF-style: chr16-2048603-G-T. GRCh37 (hg19) VCF-style: chr16-2098604-G-T.
Other names: c.-1444G>T (NM_001406690.1, NM_001406691.1, NM_001406692.1 and 2 more transcripts); c.-1750G>T (NM_001406693.1); c.-1325G>T (NM_001406694.1, NM_001406695.1); c.-1432G>T (NM_001406696.1); c.-1620G>T (NM_001406698.1); c.-13G>T (NM_021055.3, NM_001077183.3, NM_001114382.3 and 13 more transcripts); c.-10+538G>T (NM_001406677.1, NM_001406675.1, NM_001406676.1 and 2 more transcripts); c.-89+538G>T (NM_001406686.1); and 4 more.
Identifiers: ClinVar variation 3386154 (VCV003386154.1).
Genomic context (GRCh38, chr16:2,048,603, plus strand): 5'-AGAGGTGTTGCTCAGATGTCCCCATTCCTGTTTCGTTTGCACAGAGGGGTTTTCTGGTGC[G>T]TCCTGGTCCACCATGGCCAAACCAACAAGCAAAGATTCAGGCTTGAAGGAGAAGTTTAAG-3'